The following is an entry in ClinVar:

ClinVar aggregate classification (germline): Conflicting classifications of pathogenicity. Review status: criteria provided, conflicting classifications (1 of 4 stars). 6 submissions from 6 submitters: Pathogenic (1); Likely pathogenic (1); Uncertain significance (3). 1 of the submissions does not count toward it. Last evaluated 2025-09-28.

Conditions:
HARS-related disorders.
Inborn genetic diseases. Identifiers: MedGen C0950123, MeSH D030342.
Usher syndrome type 3B. Also called: USHER SYNDROME, TYPE IIIB. Identifiers: MedGen C3281066, MONDO:0013788, OMIM 614504.

Allele frequency attached by ClinVar (database versions not stated): ExAC 0.00002; gnomAD 0.00002 and 0.00009; gnomAD exomes 0.00002; TOPMed 0.00009.
gnomAD v4.1: 36 of 1,614,092 alleles (0.0022%); highest among the groups gnomAD compares: South Asian, 0.0055%; no homozygotes.

Submissions (6):

Labcorp Genetics (formerly Invitae), Labcorp
Classification: Uncertain significance for Usher syndrome type 3B. Last evaluated: 2025-09-28. Review status: criteria provided, single submitter. Criteria: Invitae Variant Classification Sherloc (09022015). Collection method: clinical testing. Allele origin: germline.
Comment: This sequence change replaces tyrosine, which is neutral and polar, with serine, which is neutral and polar, at codon 454 of the HARS protein (p.Tyr454Ser). This variant is present in population databases (rs387906639, gnomAD 0.006%). This missense change has been observed in individuals with Usher syndrome (PMID: 22279524, 22279824, 31028937, 37798099). ClinVar contains an entry for this variant (Variation ID: 29756). Invitae Evidence Modeling of protein sequence and biophysical properties (such as structural, functional, and spatial information, amino acid conservation, physicochemical variation, residue mobility, and thermodynamic stability) indicates that this missense variant is not expected to disrupt HARS protein function with a negative predictive value of 80%. Experimental studies are conflicting or provide insufficient evidence to determine the effect of this variant on HARS function (PMID: 22279524, 28632987). In summary, the available evidence is currently insufficient to determine the role of this variant in disease. Therefore, it has been classified as a Variant of Uncertain Significance.

Neuberg Centre For Genomic Medicine, NCGM
Classification: Uncertain significance for Usher syndrome type 3B. Last evaluated: 2023-06-22. Review status: criteria provided, single submitter. Criteria: ACMG Guidelines, 2015. Collection method: clinical testing. Allele origin: germline. Inheritance: Autosomal recessive inheritance. Affected: yes.
Comment: The missense c.1361A>C (p.Tyr454Ser) variant in HARS1 gene has been previously reported in homozygous state in individual affected with Usher syndrome (Whatley M et al. 2020; Abbott JA et al. 2017). The p.Tyr454Ser variant is present with allele frequency of 0.002% in gnomAD Exomes. This variant has been submitted to the ClinVar database as Pathogenic / Uncertain Significance. Multiple lines of computational evidence (Polyphen - Possibly damaging, SIFT - Tolerated and MutationTaster - Disease causing) predicts conflicting evidence on protein structure and function for this variant. The reference amino acid at this position on HARS1 gene is predicted as conserved by GERP++ and PhyloP across 100 vertebrates. The amino acid Tyr at position 454 is changed to a Ser changing protein sequence and it might alter its composition and physico-chemical properties. Experimental studies are conflicting or provide insufficient evidence to determine the effect of this variant on HARS function (Abbott JA et al. 2017). Hence for these reasons, this variant has been classified as Variant of Uncertain Significance (VUS).

Blueprint Genetics
Classification: Likely pathogenic for HARS-related disorders. Last evaluated: 2021-01-13. Review status: criteria provided, single submitter. Criteria: ACMG Guidelines, 2015. Collection method: clinical testing. Allele origin: germline. Affected: yes. Observed: 3 variant alleles.

Ambry Genetics
Classification: Pathogenic for Inborn genetic diseases. Last evaluated: 2017-10-16. Review status: criteria provided, single submitter. Criteria: Ambry exome assertion method (8-5-2015). Collection method: clinical testing. Allele origin: germline. Affected: yes. Observed: 1 variant allele.

Laboratory for Molecular Medicine, Mass General Brigham Personalized Medicine
Classification: Uncertain significance. Last evaluated: 2017-10-16. Review status: criteria provided, single submitter. Criteria: LMM Criteria. Collection method: clinical testing. Allele origin: germline. Observed: 4 variant alleles.
Comment: Variant classified as Uncertain Significance - Favor Pathogenic. The p.Tyr454Ser variant in HARS has been reported in the homozygous state in 3 Amish individual s with childhood-onset progressive profound hearing loss and retinal abnormaliti es consistent with features of Usher syndrome type III (USH3), but they also pre sented with additional clinical manifestations not usually reported in USH3 pati ents including delayed gross motor development, hyperactive patellar tendon refl exes, mild truncal ataxia, and wide-based gait (Puffenberger 2012). The variant was also detected in 1.7% (7/406) of Amish control chromosomes (Puffenberger 201 2), and in 2/30782 South Asian chromosomes by the Genome Aggregation Database (g nomAD; dbSNP rs387906639). In vitro functional studies provide some evidence that the p.Tyr454Ser variant may impact protein f unction (Puffenberger 2012, Abbott 2017); however, these types of assays may not accurately represent biological function. Computational prediction tools and co nservation analysis do not provide strong support for or against an impact to th e protein. In summary, while there is some suspicion for a pathogenic role, the clinical significance of the p.Tyr454Ser variant is uncertain. ACMG/AMP Criteria applied: PS3_Supporting, PM3_Supporting, PS3_Supporting (Richards 2015).

OMIM
Classification: Pathogenic for USHER SYNDROME, TYPE IIIB. Last evaluated: 2012-01-01. Review status: flagged submission. Collection method: literature only. Allele origin: germline. Not counted in ClinVar's aggregate classification.
ClinVar note: Notes: Flagging candidate with reason of insufficient supporting evidence. This gene has been refuted by a ClinGen Expert Panel.
ClinVar note: Reason: Other

Literature cited by the submitters: PubMed 22279524 (cited by 4 submitters); PubMed 22279824 (cited by Labcorp Genetics (formerly Invitae), Labcorp); PubMed 31028937 (cited by Labcorp Genetics (formerly Invitae), Labcorp); PubMed 37798099 (cited by Labcorp Genetics (formerly Invitae), Labcorp); PubMed 28632987 (cited by 3 submitters); Puffenberger, E. G. Personal Communication. 2012. Strasburg, Pa. (cited by OMIM).

NM_002109.6(HARS1):c.1361A>C (p.Tyr454Ser)

Gene: HARS1 (histidyl-tRNA synthetase 1; minus strand). Cytogenetic location: 5q31.3.
Variant type: single nucleotide variant.
Coding change: c.1361A>C on transcript NM_002109.6 (MANE Select); coding-DNA position 1361, A replaced by C.
Protein change: p.Tyr454Ser; replaces tyrosine 454 with serine.
Molecular consequence: missense variant.
Genome position (GRCh38, 1-based): chr5:140,674,776, T>G on the plus strand (A>C on the coding strand, the complement: HARS1 is on the minus strand). VCF-style: chr5-140674776-T-G. GRCh37 (hg19) VCF-style: chr5-140054361-T-G.
Other names: c.1241A>C, p.Tyr414Ser (NM_001258040.3); c.1301A>C, p.Tyr434Ser (NM_001258041.3); c.1181A>C, p.Tyr394Ser (NM_001258042.3); c.1139A>C, p.Tyr380Ser (NM_001289092.2); c.1019A>C, p.Tyr340Ser (NM_001289093.2); c.1274A>C, p.Tyr425Ser (NM_001289094.2); short protein forms Y454S, Y340S, Y414S, Y380S, Y394S, Y425S, Y434S.
Identifiers: ClinVar variation 29756 (VCV000029756.21), dbSNP rs387906639, ClinGen allele CA277969.